The following is an entry in ClinVar:

ClinVar aggregate classification (germline): Likely pathogenic (1 of 4 stars; one submission).

Conditions:
Congenital glucose-galactose malabsorption (GGM). Also called: MONOSACCHARIDE MALABSORPTION; DIARRHEA 16. Identifiers: Orphanet 35710, MedGen C0268186, MONDO:0011731, OMIM 606824.

gnomAD v4.1: 2 of 1,613,974 alleles (0.00012%); highest among the groups gnomAD compares: African/African-American, 0.0013%; no homozygotes.

Submission:

Labcorp Genetics (formerly Invitae), Labcorp
Classification: Likely pathogenic for Congenital glucose-galactose malabsorption. Last evaluated: 2025-09-15. Review status: criteria provided, single submitter. Criteria: Invitae Variant Classification Sherloc (09022015). Collection method: clinical testing. Allele origin: germline.
Comment: This sequence change replaces arginine, which is basic and polar, with cysteine, which is neutral and slightly polar, at codon 499 of the SLC5A1 protein (p.Arg499Cys). This variant is present in population databases (no rsID available, gnomAD 0.007%). This variant has not been reported in the literature in individuals affected with SLC5A1-related conditions. Invitae Evidence Modeling of protein sequence and biophysical properties (such as structural, functional, and spatial information, amino acid conservation, physicochemical variation, residue mobility, and thermodynamic stability) indicates that this missense variant is expected to disrupt SLC5A1 protein function with a positive predictive value of 95%. This variant disrupts the p.Arg499 amino acid residue in SLC5A1. Other variant(s) that disrupt this residue have been determined to be pathogenic (PMID: 8563765, 28152538). This suggests that this residue is clinically significant, and that variants that disrupt this residue are likely to be disease-causing. In summary, the currently available evidence indicates that the variant is pathogenic, but additional data are needed to prove that conclusively. Therefore, this variant has been classified as Likely Pathogenic.

Literature cited by the submitters: PubMed 8563765; PubMed 28152538.

NM_000343.4(SLC5A1):c.1495C>T (p.Arg499Cys)

Gene: SLC5A1 (solute carrier family 5 member 1; plus strand). Cytogenetic location: 22q12.3.
Variant type: single nucleotide variant.
Coding change: c.1495C>T on transcript NM_000343.4 (MANE Select); coding-DNA position 1495, C replaced by T.
Protein change: p.Arg499Cys; replaces arginine 499 with cysteine.
Molecular consequence: missense variant.
Genome position (GRCh38, 1-based): chr22:32,102,067, C>T. VCF-style: chr22-32102067-C-T. GRCh37 (hg19) VCF-style: chr22-32498054-C-T.
Other names: c.1114C>T, p.Arg372Cys (NM_001256314.2); short protein forms R372C, R499C.
Identifiers: ClinVar variation 4703422 (VCV004703422.1).
Genomic context (GRCh38, chr22:32,102,067, plus strand): 5'-GGTTTTCTTTCACAGGGAGCCTTTTGGGGACTGATCCTAGGACTTCTGATTGGGATTTCA[C>T]GTATGATTACTGAGTTTGCTTATGGAACCGGGAGCTGCATGGAGCCCAGCAACTGTCCCA-3'
Protein context (NP_000334.1, residues 489-509): LILGLLIGIS[Arg499Cys]MITEFAYGTG